The following is an entry in ClinVar:

NM_003579.4(RAD54L):c.494G>C (p.Trp165Ser)

Gene: RAD54L (RAD54 like; plus strand). Cytogenetic location: 1p34.1.
Variant type: single nucleotide variant.
Coding change: c.494G>C on transcript NM_003579.4 (MANE Select); coding-DNA position 494, G replaced by C.
Protein change: p.Trp165Ser; replaces tryptophan 165 with serine.
Molecular consequence: missense variant. On other transcripts: 5 prime UTR variant (1).
Genome position (GRCh38, 1-based): chr1:46,260,743, G>C. VCF-style: chr1-46260743-G-C. GRCh37 (hg19) VCF-style: chr1-46726415-G-C.
Other names: c.494G>C, p.Trp165Ser (NM_001142548.2); c.-47G>C (NM_001370766.1); short protein forms W165S.
Identifiers: ClinVar variation 1744322 (VCV001744322.2), dbSNP rs1191477654, ClinGen allele CA340185470.

ClinVar aggregate classification (germline): Uncertain significance (1 of 4 stars; one submission).

Submission:

Ambry Genetics
Classification: Uncertain significance. Last evaluated: 2022-05-07. Review status: criteria provided, single submitter. Criteria: Ambry Variant Classification Scheme 2023. Collection method: clinical testing. Allele origin: germline.
Comment: The p.W165S variant (also known as c.494G>C), located in coding exon 7 of the RAD54L gene, results from a G to C substitution at nucleotide position 494. The tryptophan at codon 165 is replaced by serine, an amino acid with highly dissimilar properties. This amino acid position is conserved. In addition, this alteration is predicted to be deleterious by in silico analysis. Since supporting evidence is limited at this time, the clinical significance of this alteration remains unclear.